The following is an entry in ClinVar:

NM_005918.4(MDH2):c.41G>C (p.Arg14Pro)

Gene: MDH2 (malate dehydrogenase 2; plus strand). Cytogenetic location: 7q11.23.
Variant type: single nucleotide variant.
Coding change: c.41G>C on transcript NM_005918.4 (MANE Select); coding-DNA position 41, G replaced by C.
Protein change: p.Arg14Pro; replaces arginine 14 with proline.
Molecular consequence: missense variant. On other transcripts: 5 prime UTR variant (1), non-coding transcript variant (1).
Genome position (GRCh38, 1-based): chr7:76,048,201, G>C. VCF-style: chr7-76048201-G-C. GRCh37 (hg19) VCF-style: chr7-75677519-G-C.
Other names: c.41G>C, p.Arg14Pro (NM_001282403.2); c.-112G>C (NM_001282404.2); short protein forms R14P.
Identifiers: ClinVar variation 3394055 (VCV003394055.1).

ClinVar aggregate classification (germline): Uncertain significance (1 of 4 stars; one submission).

Conditions:
Inborn genetic diseases. Identifiers: MedGen C0950123, MeSH D030342.

Submission:

Ambry Genetics
Classification: Uncertain significance for Inborn genetic diseases. Last evaluated: 2024-10-31. Review status: criteria provided, single submitter. Criteria: Ambry Variant Classification Scheme 2023. Collection method: clinical testing. Allele origin: germline.
Comment: The p.R14P variant (also known as c.41G>C), located in coding exon 1 of the MDH2 gene, results from a G to C substitution at nucleotide position 41. The arginine at codon 14 is replaced by proline, an amino acid with dissimilar properties. This amino acid position is conserved. In addition, the in silico prediction for this alteration is inconclusive. Based on the available evidence, the clinical significance of this variant remains unclear.